The following is an entry in ClinVar:

ClinVar aggregate classification (germline): Uncertain significance (1 of 4 stars; one submission).

Conditions:
Developmental and epileptic encephalopathy, 23 (DEE23). Also called: Epileptic encephalopathy, early infantile, 23. Identifiers: Orphanet 411986, MedGen C4014492, MONDO:0014371, OMIM 615859.

Submission:

Labcorp Genetics (formerly Invitae), Labcorp
Classification: Uncertain significance for Developmental and epileptic encephalopathy, 23. Last evaluated: 2024-03-11. Review status: criteria provided, single submitter. Criteria: Invitae Variant Classification Sherloc (09022015). Collection method: clinical testing. Allele origin: germline.
Comment: This sequence change replaces glycine, which is neutral and non-polar, with arginine, which is basic and polar, at codon 1204 of the DOCK7 protein (p.Gly1204Arg). This variant is not present in population databases (gnomAD no frequency). This variant has not been reported in the literature in individuals affected with DOCK7-related conditions. ClinVar contains an entry for this variant (Variation ID: 1473270). An algorithm developed to predict the effect of missense changes on protein structure and function (PolyPhen-2) suggests that this variant is likely to be tolerated. In summary, the available evidence is currently insufficient to determine the role of this variant in disease. Therefore, it has been classified as a Variant of Uncertain Significance.

NM_001367561.1(DOCK7):c.3610G>A (p.Gly1204Arg)

Gene: DOCK7 (dedicator of cytokinesis 7; minus strand). Cytogenetic location: 1p31.3.
Variant type: single nucleotide variant.
Coding change: c.3610G>A on transcript NM_001367561.1 (MANE Select); coding-DNA position 3610, G replaced by A.
Protein change: p.Gly1204Arg; replaces glycine 1204 with arginine.
Molecular consequence: missense variant.
Genome position (GRCh38, 1-based): chr1:62,535,494, C>T on the plus strand (G>A on the coding strand, the complement: DOCK7 is on the minus strand). VCF-style: chr1-62535494-C-T. GRCh37 (hg19) VCF-style: chr1-63001165-C-T.
Other names: c.3610G>A, p.Gly1204Arg (NM_001271999.2, NM_001330614.2); c.3517G>A, p.Gly1173Arg (NM_001272000.2, NM_001272001.2, NM_033407.4); short protein forms G1204R, G1173R.
Identifiers: ClinVar variation 1473270 (VCV001473270.8), dbSNP rs1645314625, ClinGen allele CA340604319.